The following is an entry in ClinVar:

NM_000064.4(C3):c.3671G>A (p.Gly1224Asp)

Gene: C3 (complement C3; minus strand). Cytogenetic location: 19p13.3.
Variant type: single nucleotide variant.
Coding change: c.3671G>A on transcript NM_000064.4 (MANE Select); coding-DNA position 3671, G replaced by A.
Protein change: p.Gly1224Asp; replaces glycine 1224 with aspartic acid.
Molecular consequence: missense variant.
Genome position (GRCh38, 1-based): chr19:6,686,263, C>T on the plus strand (G>A on the coding strand, the complement: C3 is on the minus strand). VCF-style: chr19-6686263-C-T. GRCh37 (hg19) VCF-style: chr19-6686274-C-T.
Other names: c.3671G>A (LRG_27t1); short protein forms G1224D.
Identifiers: ClinVar variation 330292 (VCV000330292.44), dbSNP rs11569534, ClinGen allele CA9128662.

ClinVar aggregate classification (germline): Conflicting classifications of pathogenicity. Review status: criteria provided, conflicting classifications (1 of 4 stars). 13 submissions from 11 submitters: Uncertain significance (1); Benign (6); Likely benign (3). 3 of the submissions do not count toward it. Last evaluated 2026-03-01.

Conditions:
Age related macular degeneration 9. Identifiers: MedGen C1969651, MONDO:0012659, OMIM 611378.
Atypical hemolytic-uremic syndrome with C3 anomaly. Also called: AHUS, SUSCEPTIBILITY TO, 5. Identifiers: Orphanet 2134, MedGen C2752037, MONDO:0013043, OMIM 612925.
C3-related disorder. Also called: C3-related condition.
Complement component 3 deficiency. Identifiers: Orphanet 280133, MedGen C3151071, MONDO:0013417, OMIM 613779.
C3 glomerulonephritis. Also called: C3 GLOMERULOPATHY 3; Nephropathy due to CFHR5 Deficiency. Identifiers: Orphanet 329931, MedGen C4055342, MONDO:0013892, OMIM 614809.
Atypical hemolytic-uremic syndrome. Identifiers: Orphanet 2134, MedGen C2931788, MONDO:0016244.

Allele frequency attached by ClinVar (database versions not stated): gnomAD exomes 0.00063 and 0.00148; ExAC 0.00184; gnomAD 0.00537 and 0.00573; TOPMed 0.00631; ESP Exome Variant Server 0.00700; 1000 Genomes Project 0.00759; 1000 Genomes Project 30x 0.00843.
gnomAD v4.1: 1,793 of 1,614,098 alleles (0.11%); highest among the groups gnomAD compares: African/African-American, 1.9%; 12 homozygotes.

Submissions (13):

CeGaT Center for Human Genetics Tuebingen
Classification: Likely benign. Last evaluated: 2026-03-01. Review status: criteria provided, single submitter. Criteria: CeGaT Center For Human Genetics Tuebingen Variant Classification Criteria Version 2. Collection method: clinical testing. Allele origin: germline. Affected: yes. Observed: 3 variant alleles.
Comment: C3: PP2, BP4, BS1

Women's Health and Genetics/Laboratory Corporation of America, LabCorp
Classification: Likely benign. Last evaluated: 2026-01-22. Review status: criteria provided, single submitter. Criteria: LabCorp Variant Classification Summary - May 2015. Collection method: clinical testing. Allele origin: germline.

Labcorp Genetics (formerly Invitae), Labcorp
Classification: Benign. Last evaluated: 2026-01-18. Review status: criteria provided, single submitter. Criteria: Invitae Variant Classification Sherloc (09022015). Collection method: clinical testing. Allele origin: germline.

Genomenon, Inc
Classification: Benign for Complement component 3 deficiency; C3 glomerulonephritis; Atypical hemolytic-uremic syndrome. Last evaluated: 2025-09-30. Review status: criteria provided, single submitter. Criteria: Genomenon Sequence Variant Interpretation Standards. Collection method: curation. Allele origin: germline. Affected: no.
Comment: C3 p.Gly1224Asp (c.3671G>A) is a missense variant that changes the amino acid at residue 1224 from Glycine to Aspartic acid. This variant is present at high allele frequency in population databases. In conclusion, we classify C3 p.Gly1224Asp (c.3671G>A) as a benign variant.

Mayo Clinic Laboratories, Mayo Clinic
Classification: Likely benign. Last evaluated: 2024-12-17. Review status: criteria provided, single submitter. Criteria: ACMG Guidelines, 2015. Collection method: clinical testing. Allele origin: germline. Observed: 37 variant alleles.
Comment: BS1, BP4

Blueprint Genetics
Classification: Uncertain significance. Last evaluated: 2024-09-02. Review status: criteria provided, single submitter. Criteria: ACMG Guidelines, 2015. Collection method: clinical testing. Allele origin: germline.

Genetic Services Laboratory, University of Chicago
Classification: Benign. Last evaluated: 2019-05-14. Review status: criteria provided, single submitter. Criteria: ACMG Guidelines, 2015. Collection method: clinical testing. Allele origin: germline. Affected: no.

Illumina Laboratory Services, Illumina
Classification: Benign for Age related macular degeneration 9. Last evaluated: 2018-01-12. Review status: criteria provided, single submitter. Criteria: ICSL Variant Classification Criteria 13 December 2019. Collection method: clinical testing. Allele origin: germline.
Comment: This variant was observed in the ICSL laboratory as part of a predisposition screen in an ostensibly healthy population. It had not been previously curated by ICSL or reported in the Human Gene Mutation Database (HGMD: prior to June 1st, 2018), and was therefore a candidate for classification through an automated scoring system. Utilizing variant allele frequency, disease prevalence and penetrance estimates, and inheritance mode, an automated score was calculated to assess if this variant is too frequent to cause the disease. Based on the score and internal cut-off values, a variant classified as benign is not then subjected to further curation. The score for this variant resulted in a classification of benign for this disease.

Illumina Laboratory Services, Illumina
Classification: Benign for Complement component 3 deficiency. Last evaluated: 2018-01-12. Review status: criteria provided, single submitter. Criteria: ICSL Variant Classification Criteria 13 December 2019. Collection method: clinical testing. Allele origin: germline.
Comment: the same text as in the submission from Illumina Laboratory Services, Illumina above.

Illumina Laboratory Services, Illumina
Classification: Benign for Atypical hemolytic-uremic syndrome with C3 anomaly. Last evaluated: 2018-01-12. Review status: criteria provided, single submitter. Criteria: ICSL Variant Classification Criteria 13 December 2019. Collection method: clinical testing. Allele origin: germline.
Comment: the same text as in the submission from Illumina Laboratory Services, Illumina above.

PreventionGenetics, part of Exact Sciences
Classification: Benign for C3-related condition. Last evaluated: 2019-08-29. Review status: no assertion criteria provided. Collection method: clinical testing. Allele origin: germline. Not counted in ClinVar's aggregate classification.
Comment: This variant is classified as benign based on ACMG/AMP sequence variant interpretation guidelines (Richards et al. 2015 PMID: 25741868, with internal and published modifications).

Clinical Genetics DNA and cytogenetics Diagnostics Lab, Erasmus MC, Erasmus Medical Center
Classification: Benign. Review status: no assertion criteria provided. Collection method: clinical testing. Allele origin: germline. Affected: yes. Study: VKGL Data-share Consensus. Not counted in ClinVar's aggregate classification.

Joint Genome Diagnostic Labs from Nijmegen and Maastricht, Radboudumc and MUMC+
Classification: Likely benign. Review status: no assertion criteria provided. Collection method: clinical testing. Allele origin: germline. Affected: yes. Study: VKGL Data-share Consensus. Not counted in ClinVar's aggregate classification.